The following is an entry in ClinVar:

ClinVar aggregate classification (germline): Uncertain significance. Review status: criteria provided, multiple submitters, no conflicts (2 of 4 stars). 2 submissions from 2 submitters: Uncertain significance (2). Last evaluated 2025-04-08.

Conditions:
Charcot-Marie-Tooth disease axonal type 2CC. Also called: CHARCOT-MARIE-TOOTH NEUROPATHY, TYPE 2CC. Identifiers: MedGen C4310790, MONDO:0014836, OMIM 616924.

Submissions (2):

Labcorp Genetics (formerly Invitae), Labcorp
Classification: Uncertain significance. Last evaluated: 2025-04-08. Review status: criteria provided, single submitter. Criteria: Invitae Variant Classification Sherloc (09022015). Collection method: clinical testing. Allele origin: germline.
Comment: This sequence change replaces alanine, which is neutral and non-polar, with threonine, which is neutral and polar, at codon 506 of the NEFH protein (p.Ala506Thr). This variant is not present in population databases (gnomAD no frequency). This variant has not been reported in the literature in individuals affected with NEFH-related conditions. ClinVar contains an entry for this variant (Variation ID: 2434321). Invitae Evidence Modeling of protein sequence and biophysical properties (such as structural, functional, and spatial information, amino acid conservation, physicochemical variation, residue mobility, and thermodynamic stability) indicates that this missense variant is not expected to disrupt NEFH protein function with a negative predictive value of 95%. In summary, the available evidence is currently insufficient to determine the role of this variant in disease. Therefore, it has been classified as a Variant of Uncertain Significance.

Revvity Omics, Revvity
Classification: Uncertain significance for Charcot-Marie-Tooth disease axonal type 2CC. Last evaluated: 2019-05-03. Review status: criteria provided, single submitter. Criteria: ACMG Guidelines, 2015. Collection method: clinical testing. Allele origin: germline.

NM_021076.4(NEFH):c.1516G>A (p.Ala506Thr)

Gene: NEFH (neurofilament heavy chain; plus strand). Cytogenetic location: 22q12.2.
Variant type: single nucleotide variant.
Coding change: c.1516G>A on transcript NM_021076.4 (MANE Select); coding-DNA position 1516, G replaced by A.
Protein change: p.Ala506Thr; replaces alanine 506 with threonine.
Molecular consequence: missense variant.
Genome position (GRCh38, 1-based): chr22:29,489,156, G>A. VCF-style: chr22-29489156-G-A. GRCh37 (hg19) VCF-style: chr22-29885145-G-A.
Other names: short protein forms A506T.
Identifiers: ClinVar variation 2434321 (VCV002434321.4), dbSNP rs2517976951, ClinGen allele CA411130475.